The following is an entry in ClinVar:

ClinVar aggregate classification (germline): Uncertain significance (1 of 4 stars; one submission).

Conditions:
PRPH2-related disorder. Also called: PRPH2-related condition; PRPH2-related disorders. Identifiers: MedGen CN239395.

Allele frequency attached by ClinVar (database versions not stated): gnomAD exomes below 0.00001; gnomAD 0.00001; TOPMed 0.00001.
gnomAD v4.1: 2 of 1,611,020 alleles (0.00012%); highest among the groups gnomAD compares: Admixed American, 0.0034%; no homozygotes.

Submission:

Labcorp Genetics (formerly Invitae), Labcorp
Classification: Uncertain significance for PRPH2-related disorder. Last evaluated: 2023-09-13. Review status: criteria provided, single submitter. Criteria: Invitae Variant Classification Sherloc (09022015). Collection method: clinical testing. Allele origin: germline.
Comment: In summary, the available evidence is currently insufficient to determine the role of this variant in disease. Therefore, it has been classified as a Variant of Uncertain Significance. Advanced modeling of protein sequence and biophysical properties (such as structural, functional, and spatial information, amino acid conservation, physicochemical variation, residue mobility, and thermodynamic stability) performed at Invitae indicates that this missense variant is not expected to disrupt PRPH2 protein function. ClinVar contains an entry for this variant (Variation ID: 1483119). This variant has not been reported in the literature in individuals affected with PRPH2-related conditions. This variant is present in population databases (no rsID available, gnomAD 0.003%). This sequence change replaces serine, which is neutral and polar, with asparagine, which is neutral and polar, at codon 256 of the PRPH2 protein (p.Ser256Asn).

NM_000322.5(PRPH2):c.767G>A (p.Ser256Asn)

Gene: PRPH2 (peripherin 2; minus strand). Cytogenetic location: 6p21.1.
Variant type: single nucleotide variant.
Coding change: c.767G>A on transcript NM_000322.5 (MANE Select); coding-DNA position 767, G replaced by A.
Protein change: p.Ser256Asn; replaces serine 256 with asparagine.
Molecular consequence: missense variant.
Genome position (GRCh38, 1-based): chr6:42,704,426, C>T on the plus strand (G>A on the coding strand, the complement: PRPH2 is on the minus strand). VCF-style: chr6-42704426-C-T. GRCh37 (hg19) VCF-style: chr6-42672164-C-T.
Other names: short protein forms S256N.
Identifiers: ClinVar variation 1483119 (VCV001483119.8), dbSNP rs980783693, ClinGen allele CA138171466.